The following is an entry in ClinVar:

ClinVar aggregate classification (germline): Benign. Review status: criteria provided, multiple submitters, no conflicts (2 of 4 stars). 2 submissions from 2 submitters: Benign (2). Last evaluated 2018-01-13.

Conditions:
Charcot-Marie-Tooth disease type 4D. Also called: CHARCOT-MARIE-TOOTH DISEASE, DEMYELINATING, AUTOSOMAL RECESSIVE, TYPE 4D; NEUROPATHY, HEREDITARY MOTOR AND SENSORY, LOM TYPE; Charcot-Marie-Tooth Neuropathy Type 4D; CHARCOT-MARIE-TOOTH DISEASE, DEMYELINATING, TYPE 4D. Identifiers: Orphanet 99950, MedGen C1832334, MONDO:0011085, OMIM 601455.

Allele frequency attached by ClinVar (database versions not stated): 1000 Genomes Project 0.27177; 1000 Genomes Project 30x 0.27764; gnomAD exomes 0.30318; gnomAD 0.31990 and 0.32591; TOPMed 0.32678.
gnomAD v4.1: 73,369 of 232,512 alleles (32%); highest among the groups gnomAD compares: Admixed American, 36%; 12,228 homozygotes.

Submissions (2):

Illumina Laboratory Services, Illumina
Classification: Benign for Charcot-Marie-Tooth disease type 4D. Last evaluated: 2018-01-13. Review status: criteria provided, single submitter. Criteria: ICSL Variant Classification Criteria 13 December 2019. Collection method: clinical testing. Allele origin: germline.
Comment: This variant was observed in the ICSL laboratory as part of a predisposition screen in an ostensibly healthy population. It had not been previously curated by ICSL or reported in the Human Gene Mutation Database (HGMD: prior to June 1st, 2018), and was therefore a candidate for classification through an automated scoring system. Utilizing variant allele frequency, disease prevalence and penetrance estimates, and inheritance mode, an automated score was calculated to assess if this variant is too frequent to cause the disease. Based on the score and internal cut-off values, a variant classified as benign is not then subjected to further curation. The score for this variant resulted in a classification of benign for this disease.

Breakthrough Genomics
Classification: Benign. Review status: criteria provided, single submitter. Criteria: ACMG Guidelines, 2015. Collection method: not provided. Allele origin: germline. Inheritance: Autosomal recessive inheritance. Affected: yes.

NM_006096.4(NDRG1):c.*691G>A

Gene: NDRG1 (N-myc downstream regulated 1; minus strand). Cytogenetic location: 8q24.22.
Variant type: single nucleotide variant.
Coding change: c.*691G>A on transcript NM_006096.4 (MANE Select); 691 bases downstream of the stop codon, G replaced by A.
Molecular consequence: 3 prime UTR variant.
Genome position (GRCh38, 1-based): chr8:133,238,187, C>T on the plus strand (G>A on the coding strand, the complement: NDRG1 is on the minus strand). VCF-style: chr8-133238187-C-T. GRCh37 (hg19) VCF-style: chr8-134250430-C-T.
Other names: c.*691G>A (NM_001135242.2, NM_001258432.2, NM_001258433.2 and 4 more transcripts).
Identifiers: ClinVar variation 362019 (VCV000362019.6), dbSNP rs1049694, ClinGen allele CA10627213.